The following is an entry in ClinVar:

ClinVar aggregate classification (germline): Uncertain significance (1 of 4 stars; one submission).

Submission:

Ambry Genetics
Classification: Uncertain significance. Last evaluated: 2023-08-13. Review status: criteria provided, single submitter. Criteria: Ambry Variant Classification Scheme 2023. Collection method: clinical testing. Allele origin: germline.
Comment: The p.P2143Q variant (also known as c.6428C>A), located in coding exon 12 of the ALPK2 gene, results from a C to A substitution at nucleotide position 6428. The proline at codon 2143 is replaced by glutamine, an amino acid with similar properties. This amino acid position is conserved. In addition, this alteration is predicted to be tolerated by in silico analysis. Since supporting evidence is limited at this time, the clinical significance of this alteration remains unclear.

NM_052947.4(ALPK2):c.6428C>A (p.Pro2143Gln)

Gene: ALPK2 (alpha kinase 2; minus strand). Cytogenetic location: 18q21.31.
Variant type: single nucleotide variant.
Coding change: c.6428C>A on transcript NM_052947.4 (MANE Select); coding-DNA position 6428, C replaced by A.
Protein change: p.Pro2143Gln; replaces proline 2143 with glutamine.
Molecular consequence: missense variant.
Genome position (GRCh38, 1-based): chr18:58,481,908, G>T on the plus strand (C>A on the coding strand, the complement: ALPK2 is on the minus strand). VCF-style: chr18-58481908-G-T. GRCh37 (hg19) VCF-style: chr18-56149140-G-T.
Other names: short protein forms P2143Q.
Identifiers: ClinVar variation 2626025 (VCV002626025.2), dbSNP rs35196844, ClinGen allele CA402538478.